The following is an entry in ClinVar:

ClinVar aggregate classification (germline): Uncertain significance (1 of 4 stars; one submission).

Submission:

Labcorp Genetics (formerly Invitae), Labcorp
Classification: Uncertain significance. Last evaluated: 2021-07-15. Review status: criteria provided, single submitter. Criteria: Invitae Variant Classification Sherloc (09022015). Collection method: clinical testing. Allele origin: germline.
Comment: This sequence change replaces methionine with isoleucine at codon 221 of the POLE protein (p.Met221Ile). The methionine residue is moderately conserved and there is a small physicochemical difference between methionine and isoleucine. This variant is not present in population databases (ExAC no frequency). This variant has not been reported in the literature in individuals with POLE-related conditions. Algorithms developed to predict the effect of missense changes on protein structure and function (SIFT, PolyPhen-2, Align-GVGD) all suggest that this variant is likely to be tolerated, but these predictions have not been confirmed by published functional studies and their clinical significance is uncertain. In summary, the available evidence is currently insufficient to determine the role of this variant in disease. Therefore, it has been classified as a Variant of Uncertain Significance.

NM_006231.4(POLE):c.663G>A (p.Met221Ile)

Gene: POLE (DNA polymerase epsilon, catalytic subunit; minus strand). Cytogenetic location: 12q24.33.
Variant type: single nucleotide variant.
Coding change: c.663G>A on transcript NM_006231.4 (MANE Select); coding-DNA position 663, G replaced by A.
Protein change: p.Met221Ile; replaces methionine 221 with isoleucine.
Molecular consequence: missense variant.
Genome position (GRCh38, 1-based): chr12:132,677,635, C>T on the plus strand (G>A on the coding strand, the complement: POLE is on the minus strand). VCF-style: chr12-132677635-C-T. GRCh37 (hg19) VCF-style: chr12-133254221-C-T.
Other names: short protein forms M221I.
Identifiers: ClinVar variation 1389780 (VCV001389780.8), dbSNP rs750387204, ClinGen allele CA387364960.